The following is an entry in ClinVar:

NC_000007.13:g.(?_106850999)_(106857739_?)del

Gene: COG5 (component of oligomeric golgi complex 5; minus strand). Cytogenetic location: 7q22.3.
Variant type: Deletion.
Identifiers: ClinVar variation 3245792 (VCV003245792.1).

ClinVar aggregate classification (germline): Likely pathogenic (1 of 4 stars; one submission).

Conditions:
COG5-congenital disorder of glycosylation. Also called: CONGENITAL DISORDER OF GLYCOSYLATION, TYPE IIi; COG5-CDG; CDG IIi. Identifiers: Orphanet 263487, MedGen C3150876, MONDO:0013325, OMIM 613612.

Submission:

Labcorp Genetics (formerly Invitae), Labcorp
Classification: Likely pathogenic for COG5-congenital disorder of glycosylation. Last evaluated: 2022-08-23. Review status: criteria provided, single submitter. Criteria: Invitae Variant Classification Sherloc (09022015). Collection method: clinical testing. Allele origin: unknown.
Comment: This variant results in the deletion of exon 20 and part of exon 21 (c.2262-6069_2440del) of the COG5 gene. It is expected to disrupt RNA splicing. Variants that disrupt the donor or acceptor splice site typically lead to a loss of protein function (PMID: 16199547), and loss-of-function variants in COG5 are known to be pathogenic (PMID: 23228021). This variant has not been reported in the literature in individuals affected with COG5-related conditions. In summary, the currently available evidence indicates that the variant is pathogenic, but additional data are needed to prove that conclusively. Therefore, this variant has been classified as Likely Pathogenic.

Literature cited by the submitters: PubMed 16199547; PubMed 23228021.